The following is an entry in ClinVar:

NM_213599.3(ANO5):c.1992T>G (p.Phe664Leu)

Gene: ANO5 (anoctamin 5; plus strand). Cytogenetic location: 11p14.3.
Variant type: single nucleotide variant.
Coding change: c.1992T>G on transcript NM_213599.3 (MANE Select); coding-DNA position 1992, T replaced by G.
Protein change: p.Phe664Leu; replaces phenylalanine 664 with leucine.
Molecular consequence: missense variant.
Genome position (GRCh38, 1-based): chr11:22,270,405, T>G. VCF-style: chr11-22270405-T-G. GRCh37 (hg19) VCF-style: chr11-22291951-T-G.
Other names: c.1989T>G, p.Phe663Leu (NM_001142649.2); c.1950T>G, p.Phe650Leu (NM_001410963.1); c.1947T>G, p.Phe649Leu (NM_001410964.1); short protein forms F649L, F650L, F664L, F663L.
Identifiers: ClinVar variation 2058003 (VCV002058003.4), dbSNP rs1248060404, ClinGen allele CA379923430.

ClinVar aggregate classification (germline): Uncertain significance (1 of 4 stars; one submission).

Conditions:
Gnathodiaphyseal dysplasia (GDD). Also called: GNATHODIAPHYSEAL SCLEROSIS; OSTEOGENESIS IMPERFECTA WITH UNUSUAL SKELETAL LESIONS. Identifiers: Orphanet 53697, MedGen C1833736, MONDO:0008151, OMIM 166260.
Autosomal recessive limb-girdle muscular dystrophy type 2L (LGMDR12). Also called: MUSCULAR DYSTROPHY, LIMB-GIRDLE, AUTOSOMAL RECESSIVE 12; Limb-girdle muscular dystrophy, type 2L; Limb-Girdle Muscular Dystrophy R12 Anoctamin-5-Related (LGMD-R12). Identifiers: Orphanet 206549, MedGen C1969785, MONDO:0012652, OMIM 611307.

Submission:

Labcorp Genetics (formerly Invitae), Labcorp
Classification: Uncertain significance for Autosomal recessive limb-girdle muscular dystrophy type 2L; Gnathodiaphyseal dysplasia. Last evaluated: 2021-12-24. Review status: criteria provided, single submitter. Criteria: Invitae Variant Classification Sherloc (09022015). Collection method: clinical testing. Allele origin: germline.
Comment: This sequence change replaces phenylalanine, which is neutral and non-polar, with leucine, which is neutral and non-polar, at codon 664 of the ANO5 protein (p.Phe664Leu). This variant is not present in population databases (gnomAD no frequency). This variant has not been reported in the literature in individuals affected with ANO5-related conditions. Advanced modeling of protein sequence and biophysical properties (such as structural, functional, and spatial information, amino acid conservation, physicochemical variation, residue mobility, and thermodynamic stability) performed at Invitae indicates that this missense variant is not expected to disrupt ANO5 protein function. In summary, the available evidence is currently insufficient to determine the role of this variant in disease. Therefore, it has been classified as a Variant of Uncertain Significance.